The following is an entry in ClinVar:

NM_015650.4(TRAF3IP1):c.858G>C (p.Glu286Asp)

Gene: TRAF3IP1 (TRAF3 interacting protein 1; plus strand). Cytogenetic location: 2q37.3.
Variant type: single nucleotide variant.
Coding change: c.858G>C on transcript NM_015650.4 (MANE Select); coding-DNA position 858, G replaced by C.
Protein change: p.Glu286Asp; replaces glutamic acid 286 with aspartic acid.
Molecular consequence: missense variant.
Genome position (GRCh38, 1-based): chr2:238,329,285, G>C. VCF-style: chr2-238329285-G-C. GRCh37 (hg19) VCF-style: chr2-239237926-G-C.
Other names: c.858G>C, p.Glu286Asp (NM_001139490.1); short protein forms E286D.
Identifiers: ClinVar variation 2045628 (VCV002045628.4), dbSNP rs2469616938, ClinGen allele CA351246346.

ClinVar aggregate classification (germline): Uncertain significance (1 of 4 stars; one submission).

Submission:

Labcorp Genetics (formerly Invitae), Labcorp
Classification: Uncertain significance. Last evaluated: 2022-03-09. Review status: criteria provided, single submitter. Criteria: Invitae Variant Classification Sherloc (09022015). Collection method: clinical testing. Allele origin: germline.
Comment: This variant has not been reported in the literature in individuals affected with TRAF3IP1-related conditions. In summary, the available evidence is currently insufficient to determine the role of this variant in disease. Therefore, it has been classified as a Variant of Uncertain Significance. Algorithms developed to predict the effect of missense changes on protein structure and function output the following: SIFT: "Tolerated"; PolyPhen-2: "Benign"; Align-GVGD: "Class C0". The aspartic acid amino acid residue is found in multiple mammalian species, which suggests that this missense change does not adversely affect protein function. This variant is not present in population databases (gnomAD no frequency). This sequence change replaces glutamic acid, which is acidic and polar, with aspartic acid, which is acidic and polar, at codon 286 of the TRAF3IP1 protein (p.Glu286Asp).